The following is an entry in ClinVar:

NM_014915.3(ANKRD26):c.110A>G (p.Gln37Arg)

Genes: ANKRD26 (ankyrin repeat domain 26; minus strand), LOC130003554 (ATAC-STARR-seq lymphoblastoid silent region 2243; plus strand). Cytogenetic location: 10p12.1.
Variant type: single nucleotide variant.
Coding change: c.110A>G on transcript NM_014915.3 (MANE Select); coding-DNA position 110, A replaced by G.
Protein change: p.Gln37Arg; replaces glutamine 37 with arginine.
Molecular consequence: missense variant.
Genome position (GRCh38, 1-based): chr10:27,100,217, T>C on the plus strand (A>G on the coding strand, the complement: ANKRD26 is on the minus strand). VCF-style: chr10-27100217-T-C. GRCh37 (hg19) VCF-style: chr10-27389146-T-C.
Other names: c.110A>G, p.Gln37Arg (NM_001256053.2); short protein forms Q37R.
Identifiers: ClinVar variation 1337772 (VCV001337772.15), dbSNP rs543170486, ClinGen allele CA5449061.

ClinVar aggregate classification (germline): Conflicting classifications of pathogenicity. Review status: criteria provided, conflicting classifications (1 of 4 stars). 6 submissions from 6 submitters: Uncertain significance (4); Likely benign (1). 1 of the submissions does not count toward it. Last evaluated 2026-02-04.

Conditions:
ANKRD26-related disorder. Also called: ANKRD26-related condition.
Inborn genetic diseases. Identifiers: MedGen C0950123, MeSH D030342.

Allele frequency attached by ClinVar (database versions not stated): gnomAD exomes 0.00002 and 0.00005; ExAC 0.00006; gnomAD 0.00012 and 0.00013; 1000 Genomes Project 0.00020; TOPMed 0.00020; 1000 Genomes Project 30x 0.00031.
gnomAD v4.1: 41 of 1,613,304 alleles (0.0025%); highest among the groups gnomAD compares: African/African-American, 0.047%; no homozygotes.

Submissions (6):

Labcorp Genetics (formerly Invitae), Labcorp
Classification: Uncertain significance. Last evaluated: 2026-02-04. Review status: criteria provided, single submitter. Criteria: Invitae Variant Classification Sherloc (09022015). Collection method: clinical testing. Allele origin: germline.
Comment: This sequence change replaces glutamine, which is neutral and polar, with arginine, which is basic and polar, at codon 37 of the ANKRD26 protein (p.Gln37Arg). This variant is present in population databases (rs543170486, gnomAD 0.06%), and has an allele count higher than expected for a pathogenic variant. This variant has not been reported in the literature in individuals affected with ANKRD26-related conditions. ClinVar contains an entry for this variant (Variation ID: 1337772). An algorithm developed to predict the effect of missense changes on protein structure and function outputs the following: PolyPhen-2: "Benign". The arginine amino acid residue is found in multiple mammalian species, which suggests that this missense change does not adversely affect protein function. In summary, the available evidence is currently insufficient to determine the role of this variant in disease. Therefore, it has been classified as a Variant of Uncertain Significance.

Ambry Genetics
Classification: Uncertain significance for Inborn genetic diseases. Last evaluated: 2025-11-26. Review status: criteria provided, single submitter. Criteria: Ambry Variant Classification Scheme 2023. Collection method: clinical testing. Allele origin: germline.

GeneDx
Classification: Uncertain significance. Last evaluated: 2025-01-15. Review status: criteria provided, single submitter. Criteria: GeneDx Variant Classification Process June 2021. Collection method: clinical testing. Allele origin: germline. Affected: yes.
Comment: In silico analysis indicates that this missense variant does not alter protein structure/function; Has not been previously published as pathogenic or benign to our knowledge

Blueprint Genetics
Classification: Likely benign. Last evaluated: 2024-09-15. Review status: criteria provided, single submitter. Criteria: ACMG Guidelines, 2015. Collection method: clinical testing. Allele origin: germline.

Genetic Services Laboratory, University of Chicago
Classification: Uncertain significance. Last evaluated: 2021-10-20. Review status: criteria provided, single submitter. Criteria: ACMG Guidelines, 2015. Collection method: clinical testing. Allele origin: germline. Affected: no.
Comment: DNA sequence analysis of the ANKRD26 gene demonstrated a sequence change, c.110A>G, in exon 1 that results in an amino acid change, p.Gln37Arg. This sequence change has been described in the gnomAD database with a frequency of 0.058% in the African/African American subpopulation (dbSNP rs543170486). The p.Gln37Arg change affects a poorly conserved amino acid residue located in a domain of the ANKRD26 protein that is not known to be functional. In-silico pathogenicity prediction tools (SIFT, PolyPhen2, Align GVGD, REVEL) provide contradictory results for the p.Gln37Arg substitution. This sequence change does not appear to have been previously described in individuals with ANKRD26-related disorders. Due to insufficient evidences and the lack of functional studies, the clinical significance of the p.Gln37Arg change remains unknown at this time.

PreventionGenetics, part of Exact Sciences
Classification: Likely benign for ANKRD26-related condition. Last evaluated: 2023-08-29. Review status: no assertion criteria provided. Collection method: clinical testing. Allele origin: germline. Not counted in ClinVar's aggregate classification.
Comment: This variant is classified as likely benign based on ACMG/AMP sequence variant interpretation guidelines (Richards et al. 2015 PMID: 25741868, with internal and published modifications).